The following is an entry in ClinVar:

ClinVar aggregate classification (germline): Pathogenic (1 of 4 stars; one submission).

Conditions:
Autoimmune lymphoproliferative syndrome type 1. Also called: AUTOIMMUNE LYMPHOPROLIFERATIVE SYNDROME, TYPE I, AUTOSOMAL DOMINANT. Identifiers: Orphanet 3261, MedGen C2717884, MONDO:0011158, OMIM 601859.

Submission:

Labcorp Genetics (formerly Invitae), Labcorp
Classification: Pathogenic for Autoimmune lymphoproliferative syndrome. Last evaluated: 2025-07-30. Review status: criteria provided, single submitter. Criteria: Invitae Variant Classification Sherloc (09022015). Collection method: clinical testing. Allele origin: germline.
Comment: This sequence change creates a premature translational stop signal (p.Ser243Argfs*3) in the FAS gene. While this is not anticipated to result in nonsense mediated decay, it is expected to disrupt the last 93 amino acid(s) of the FAS protein. This variant is not present in population databases (gnomAD no frequency). This variant has not been reported in the literature in individuals affected with FAS-related conditions. This variant disrupts a region of the FAS protein in which other variant(s) (p.Gly286Glu) have been determined to be pathogenic (PMID: 35967554). This suggests that this is a clinically significant region of the protein, and that variants that disrupt it are likely to be disease-causing. For these reasons, this variant has been classified as Pathogenic.

Literature cited by the submitters: PubMed 35967554.

NC_000010.11:g.89014119_89014170dup

Gene: FAS (Fas cell surface death receptor; plus strand). Cytogenetic location: 10q23.31.
Variant type: Duplication.
Genome position: GRCh38: chr10:89,014,119-89,014,170. GRCh37 (hg19): chr10:90,773,876-90,773,927.
Identifiers: ClinVar variation 4710911 (VCV004710911.1).